The following is an entry in ClinVar:

ClinVar aggregate classification (germline): Uncertain significance (1 of 4 stars; one submission).

Allele frequency attached by ClinVar (database versions not stated): TOPMed below 0.00001; gnomAD 0.00001.

Submission:

Labcorp Genetics (formerly Invitae), Labcorp
Classification: Uncertain significance. Last evaluated: 2024-10-07. Review status: criteria provided, single submitter. Criteria: Invitae Variant Classification Sherloc (09022015). Collection method: clinical testing. Allele origin: germline.
Comment: This sequence change replaces glutamine, which is neutral and polar, with leucine, which is neutral and non-polar, at codon 864 of the EXTL3 protein (p.Gln864Leu). This variant is not present in population databases (gnomAD no frequency). This variant has not been reported in the literature in individuals affected with EXTL3-related conditions. ClinVar contains an entry for this variant (Variation ID: 2093110). Invitae Evidence Modeling of protein sequence and biophysical properties (such as structural, functional, and spatial information, amino acid conservation, physicochemical variation, residue mobility, and thermodynamic stability) indicates that this missense variant is not expected to disrupt EXTL3 protein function with a negative predictive value of 80%. In summary, the available evidence is currently insufficient to determine the role of this variant in disease. Therefore, it has been classified as a Variant of Uncertain Significance.

NM_001440.4(EXTL3):c.2591A>T (p.Gln864Leu)

Gene: EXTL3 (exostosin like glycosyltransferase 3; plus strand). Cytogenetic location: 8p21.1.
Variant type: single nucleotide variant.
Coding change: c.2591A>T on transcript NM_001440.4 (MANE Select); coding-DNA position 2591, A replaced by T.
Protein change: p.Gln864Leu; replaces glutamine 864 with leucine.
Molecular consequence: missense variant. On other transcripts: non-coding transcript variant (1).
Genome position (GRCh38, 1-based): chr8:28,750,697, A>T. VCF-style: chr8-28750697-A-T. GRCh37 (hg19) VCF-style: chr8-28608214-A-T.
Other names: short protein forms Q864L.
Identifiers: ClinVar variation 2093110 (VCV002093110.4), dbSNP rs1801984408, ClinGen allele CA370850294.